The following is an entry in ClinVar:

NM_007186.6(CEP250):c.1534G>A (p.Glu512Lys)

Genes: CEP250 (centrosomal protein 250; plus strand), CEP250-AS1 (CEP250 antisense RNA 1; minus strand). Cytogenetic location: 20q11.22.
Variant type: single nucleotide variant.
Coding change: c.1534G>A on transcript NM_007186.6 (MANE Select); coding-DNA position 1534, G replaced by A.
Protein change: p.Glu512Lys; replaces glutamic acid 512 with lysine.
Molecular consequence: missense variant. On other transcripts: 5 prime UTR variant (1).
Genome position (GRCh38, 1-based): chr20:35,474,015, G>A. VCF-style: chr20-35474015-G-A. GRCh37 (hg19) VCF-style: chr20-34061840-G-A.
Other names: c.-366G>A (NM_001318219.1); short protein forms E512K.
Identifiers: ClinVar variation 844294 (VCV000844294.8), dbSNP rs1380228394, ClinGen allele CA408763091.

ClinVar aggregate classification (germline): Uncertain significance (1 of 4 stars; one submission).

Allele frequency attached by ClinVar (database versions not stated): TOPMed below 0.00001.

Submission:

Labcorp Genetics (formerly Invitae), Labcorp
Classification: Uncertain significance. Last evaluated: 2023-08-04. Review status: criteria provided, single submitter. Criteria: Invitae Variant Classification Sherloc (09022015). Collection method: clinical testing. Allele origin: germline.
Comment: In summary, the available evidence is currently insufficient to determine the role of this variant in disease. Therefore, it has been classified as a Variant of Uncertain Significance. An algorithm developed to predict the effect of missense changes on protein structure and function (PolyPhen-2) suggests that this variant is likely to be disruptive. ClinVar contains an entry for this variant (Variation ID: 844294). This variant has not been reported in the literature in individuals affected with CEP250-related conditions. The frequency data for this variant in the population databases is considered unreliable, as metrics indicate poor data quality at this position in the gnomAD database. This sequence change replaces glutamic acid, which is acidic and polar, with lysine, which is basic and polar, at codon 512 of the CEP250 protein (p.Glu512Lys).